The following is an entry in ClinVar:

NM_004366.6(CLCN2):c.1978C>A (p.Leu660Ile)

Gene: CLCN2 (chloride voltage-gated channel 2; minus strand). Cytogenetic location: 3q27.1.
Variant type: single nucleotide variant.
Coding change: c.1978C>A on transcript NM_004366.6 (MANE Select); coding-DNA position 1978, C replaced by A.
Protein change: p.Leu660Ile; replaces leucine 660 with isoleucine.
Molecular consequence: missense variant.
Genome position (GRCh38, 1-based): chr3:184,353,300, G>T on the plus strand (C>A on the coding strand, the complement: CLCN2 is on the minus strand). VCF-style: chr3-184353300-G-T. GRCh37 (hg19) VCF-style: chr3-184071088-G-T.
Other names: c.1927C>A, p.Leu643Ile (NM_001171087.3); c.1846C>A, p.Leu616Ile (NM_001171088.3); c.1978C>A, p.Leu660Ile (NM_001171089.3); short protein forms L616I, L643I, L660I.
Identifiers: ClinVar variation 2984716 (VCV002984716.3), dbSNP rs753629814, ClinGen allele CA355448869.
Genomic context (GRCh38, chr3:184,353,300, plus strand): 5'-TTCCCCTCACCTGGAAGCAGACAGAAGCCTCAGGGGTAGGGGGACCCTCCTGATCAGATA[G>T]TGGAGAGGTCTGGGTGGCTCTGCGCTCCTGCATGTGCTGCCGCCGGCGGGCTGGGCTCAG-3'
Protein context (NP_004357.3, residues 650-670): QERRATQTSP[Leu660Ile]SDQEGPPTPE

ClinVar aggregate classification (germline): Uncertain significance (1 of 4 stars; one submission).

gnomAD v4.1: 2 of 1,613,688 alleles (0.00012%); highest among the groups gnomAD compares: African/African-American, 0.0027%; no homozygotes.

Submission:

Labcorp Genetics (formerly Invitae), Labcorp
Classification: Uncertain significance. Last evaluated: 2023-11-19. Review status: criteria provided, single submitter. Criteria: Invitae Variant Classification Sherloc (09022015). Collection method: clinical testing. Allele origin: germline.
Comment: This sequence change replaces leucine, which is neutral and non-polar, with isoleucine, which is neutral and non-polar, at codon 660 of the CLCN2 protein (p.Leu660Ile). This variant is not present in population databases (gnomAD no frequency). This variant has not been reported in the literature in individuals affected with CLCN2-related conditions. Advanced modeling of protein sequence and biophysical properties (such as structural, functional, and spatial information, amino acid conservation, physicochemical variation, residue mobility, and thermodynamic stability) performed at Invitae indicates that this missense variant is not expected to disrupt CLCN2 protein function with a negative predictive value of 80%. In summary, the available evidence is currently insufficient to determine the role of this variant in disease. Therefore, it has been classified as a Variant of Uncertain Significance.